The following is an entry in ClinVar:

NM_144997.7(FLCN):c.872-7C>T

Gene: FLCN (folliculin; minus strand). Cytogenetic location: 17p11.2.
Variant type: single nucleotide variant.
Coding change: c.872-7C>T on transcript NM_144997.7 (MANE Select); 7 bases into the intron before coding-DNA position 872, C replaced by T.
Molecular consequence: intron variant.
Genome position (GRCh38, 1-based): chr17:17,219,216, G>A on the plus strand (C>T on the coding strand, the complement: FLCN is on the minus strand). VCF-style: chr17-17219216-G-A. GRCh37 (hg19) VCF-style: chr17-17122530-G-A.
Other names: c.872-7C>T (NM_001353231.2, NM_001353230.2); c.926-7C>T (NM_001353229.2).
Identifiers: ClinVar variation 3773170 (VCV003773170.1).
Genomic context (GRCh38, chr17:17,219,216, plus strand): 5'-TCTCCTCCTCTTCAGCCTCAGAGTTGTCCCAGCTTTCTGATTCCTCTTCTAAATCTGCAA[G>A]ACAGATGACAAGGACAGTTACAGATACAAACAGTCTCATCCTGTGACTTCAGCCCAAGAT-3'

ClinVar aggregate classification (germline): Likely benign (1 of 4 stars; one submission).

Conditions:
Birt-Hogg-Dube syndrome 1 (BHD1). Also called: FIBROFOLLICULOMAS WITH TRICHODISCOMAS AND ACROCHORDONS. Identifiers: Orphanet 122, MedGen CN375946, MONDO:0800445, OMIM 135150.

Submission:

Myriad Genetics, Inc.
Classification: Likely benign for Birt-Hogg-Dube syndrome 1. Last evaluated: 2024-10-23. Review status: criteria provided, single submitter. Criteria: Myriad Autosomal Dominant, Autosomal Recessive and X-Linked Classification Criteria (2023). Collection method: clinical testing. Allele origin: unknown.
Comment: This variant is considered likely benign. This variant is intronic and is not expected to impact mRNA splicing.